The following is an entry in ClinVar:

NM_000214.3(JAG1):c.2336G>A (p.Cys779Tyr)

Gene: JAG1 (jagged canonical Notch ligand 1; minus strand). Cytogenetic location: 20p12.2.
Variant type: single nucleotide variant.
Coding change: c.2336G>A on transcript NM_000214.3 (MANE Select); coding-DNA position 2336, G replaced by A.
Protein change: p.Cys779Tyr; replaces cysteine 779 with tyrosine.
Molecular consequence: missense variant.
Genome position (GRCh38, 1-based): chr20:10,644,871, C>T on the plus strand (G>A on the coding strand, the complement: JAG1 is on the minus strand). VCF-style: chr20-10644871-C-T. GRCh37 (hg19) VCF-style: chr20-10625519-C-T.
Other names: short protein forms C779Y.
Identifiers: ClinVar variation 3234762 (VCV003234762.20), dbSNP rs2514512840, ClinGen allele CA408234853.
Genomic context (GRCh38, chr20:10,644,871, plus strand): 5'-TCAGGATCTGCTCCGACAGCCCTGGGAGAGTTCAAGGGGGGAGGACACTCACTCTGAGCA[C>T]AGATGGGCCCCTCCCAGCCTTCCTTGCAGACGCACGTAAAGGACTCGCCGTTGACCACAC-3'
Protein context (NP_000205.1, residues 769-789): VCKEGWEGPI[Cys779Tyr]AQNTNDCSPH

ClinVar aggregate classification (germline): Uncertain significance (1 of 4 stars; one submission).

Submission:

CeGaT Center for Human Genetics Tuebingen
Classification: Uncertain significance. Last evaluated: 2024-04-01. Review status: criteria provided, single submitter. Criteria: CeGaT Center For Human Genetics Tuebingen Variant Classification Criteria Version 2. Collection method: clinical testing. Allele origin: germline. Affected: yes. Observed: 1 variant allele.
Comment: JAG1: PM2, PP3, PS2:Supporting